The following is an entry in ClinVar:

ClinVar aggregate classification (germline): Conflicting classifications of pathogenicity. Review status: criteria provided, conflicting classifications (1 of 4 stars). 12 submissions from 8 submitters: Uncertain significance (6); Benign (2); Likely benign (4). Last evaluated 2026-01-27.

Conditions:
Early-onset myopathy with fatal cardiomyopathy (CMYO5). Also called: Salih Myopathy; CONGENITAL MYOPATHY 5 WITH CARDIOMYOPATHY. Identifiers: Orphanet 289377, MedGen C2673677, MONDO:0012714, OMIM 611705. Disease mechanism: loss of function.
Myopathy, myofibrillar, 9, with early respiratory failure (MFM9). Also called: MYOPATHY, PROXIMAL, WITH EARLY RESPIRATORY MUSCLE INVOLVEMENT; Hereditary myopathy with early respiratory failure; Myopathy, distal, with early respiratory failure, autosomal dominant; EDSTROM MYOPATHY. Identifiers: Orphanet 178464, Orphanet 34521, MedGen C1863599, MONDO:0011362, OMIM 603689.
Tibial muscular dystrophy (TMD). Also called: UDD MYOPATHY; Tibial muscular dystrophy, tardive; Udd Distal Myopathy – Tibial Muscular Dystrophy. Identifiers: Orphanet 609, MedGen C1838244, MONDO:0010870, OMIM 600334.
Dilated cardiomyopathy 1G (CMD1G). Identifiers: Orphanet 154, MedGen C1858763, MONDO:0011400, OMIM 604145.
Autosomal recessive limb-girdle muscular dystrophy type 2J (LGMDR10). Also called: Limb-girdle muscular dystrophy, type 2J; MUSCULAR DYSTROPHY, LIMB-GIRDLE, AUTOSOMAL RECESSIVE 10. Identifiers: Orphanet 140922, MedGen C1837342, MONDO:0012127, OMIM 608807.
TTN-related disorder. Also called: TTN-related disorders; TTN-related condition; TTN-related disease.

Allele frequency attached by ClinVar (database versions not stated): gnomAD 0.00001; gnomAD exomes 0.00004 and 0.00024; TOPMed 0.00009; ExAC 0.00027.
gnomAD v4.1: 65 of 1,612,876 alleles (0.004%); highest among the groups gnomAD compares: Admixed American, 0.098%; no homozygotes.

Submissions (12):

Labcorp Genetics (formerly Invitae), Labcorp
Classification: Likely benign for Dilated cardiomyopathy 1G; Autosomal recessive limb-girdle muscular dystrophy type 2J. Last evaluated: 2026-01-27. Review status: criteria provided, single submitter. Criteria: Invitae Variant Classification Sherloc (09022015). Collection method: clinical testing. Allele origin: germline.

Women's Health and Genetics/Laboratory Corporation of America, LabCorp
Classification: Likely benign. Last evaluated: 2025-12-29. Review status: criteria provided, single submitter. Criteria: LabCorp Variant Classification Summary - May 2015. Collection method: clinical testing. Allele origin: germline.
Comment: Variant summary: TTN c.43823G>C (p.Gly14608Ala) results in a non-conservative amino acid change in the encoded protein sequence. Algorithms developed to predict the effect of missense changes on protein structure and function are either unavailable or do not agree on the potential impact of this missense change. The variant allele was found at a frequency of 0.00024 in 248396 control chromosomes, predominantly at a frequency of 0.0015 within the Latino subpopulation in the gnomAD database. The observed variant frequency within Latino control individuals in the gnomAD database exceeds the estimated maximal expected allele frequency for disease-causing variants in TTN. c.43823G>C has been observed in at least 1 individual(s) affected with sudden unexplained death (example, Sanchez_2016), without strong evidence for causality. These report(s) do not provide unequivocal conclusions about association of the variant with Dilated Cardiomyopathy. To our knowledge, no experimental evidence demonstrating an impact on protein function has been reported. The following publication has been ascertained in the context of this evaluation (PMID: 27930701). ClinVar contains an entry for this variant (Variation ID: 332846). Based on the evidence outlined above, the variant was classified as likely benign.

PreventionGenetics, part of Exact Sciences
Classification: Uncertain significance for TTN-related condition. Last evaluated: 2025-12-23. Review status: criteria provided, single submitter. Criteria: ACMG Guidelines, 2015. Collection method: clinical testing. Allele origin: germline.
Comment: The TTN c.51527G>C variant is predicted to result in the amino acid substitution p.Gly17176Ala. To our knowledge, this variant has not been reported in the literature. This variant is reported in 0.15% of alleles in individuals of Latino descent in gnomAD. Although we suspect that this variant may be benign, at this time, the clinical significance of this variant is uncertain due to the absence of conclusive functional and genetic evidence.

Athena Diagnostics
Classification: Likely benign. Last evaluated: 2025-02-06. Review status: criteria provided, single submitter. Criteria: Athena Diagnostics Criteria. Collection method: clinical testing. Allele origin: unknown.
Comment: The frequency of this variant in the general population is higher than would generally be expected for pathogenic variants in this gene.

Revvity Omics, Revvity
Classification: Uncertain significance. Last evaluated: 2020-03-18. Review status: criteria provided, single submitter. Criteria: ACMG Guidelines, 2015. Collection method: clinical testing. Allele origin: germline.

ARUP Laboratories, Molecular Genetics and Genomics, ARUP Laboratories
Classification: Uncertain significance. Last evaluated: 2019-03-04. Review status: criteria provided, single submitter. Criteria: ARUP Molecular Germline Variant Investigation Process. Collection method: clinical testing. Allele origin: germline.
Comment: The TTN c.43823G>C; p.Gly14608Ala variant (rs768961892; ClinVar Variation ID: 332846) is rare in the general population (<1% allele frequency in the Genome Aggregation Database) and has not been reported in the medical literature in association with dilated cardiomyopathy (DCM) or other TTN-related disease. The clinical relevance of rare missense variants in this gene, which are identified on average once per individual sequenced in affected populations (Herman 2012), is not well understood. Yet, evidence suggests that the vast majority of such missense variants do not contribute to the clinical outcome of DCM (Begay 2015). Thus, the clinical significance of the p. p.Gly14608Ala variant cannot be determined with certainty. References: Begay RL et al. Role of Titin Missense Variants in Dilated Cardiomyopathy. J Am Heart Assoc. 2015 Nov 13;4(11). Herman DS et al. Truncations of titin causing dilated cardiomyopathy. N Engl J Med. 2012 Feb 16;366(7):619-28. Linke and Hamdani. Gigantic business: titin properties and function through thick and thin. Circ Res 2014; 114(6): 1052-1068.

GeneDx
Classification: Likely benign. Last evaluated: 2018-11-21. Review status: criteria provided, single submitter. Criteria: GeneDx Variant Classification Process June 2021. Collection method: clinical testing. Allele origin: germline. Affected: yes.
Comment: This variant is associated with the following publications: (PMID: 27930701)

Illumina Laboratory Services, Illumina
Classification: Uncertain significance for Dilated cardiomyopathy 1G. Last evaluated: 2018-01-13. Review status: criteria provided, single submitter. Criteria: ICSL Variant Classification Criteria 13 December 2019. Collection method: clinical testing. Allele origin: germline.

Illumina Laboratory Services, Illumina
Classification: Uncertain significance for Autosomal recessive limb-girdle muscular dystrophy type 2J. Last evaluated: 2018-01-13. Review status: criteria provided, single submitter. Criteria: ICSL Variant Classification Criteria 13 December 2019. Collection method: clinical testing. Allele origin: germline.

Illumina Laboratory Services, Illumina
Classification: Uncertain significance for Early-onset myopathy with fatal cardiomyopathy. Last evaluated: 2018-01-13. Review status: criteria provided, single submitter. Criteria: ICSL Variant Classification Criteria 13 December 2019. Collection method: clinical testing. Allele origin: germline.

Illumina Laboratory Services, Illumina
Classification: Benign for Tibial muscular dystrophy. Last evaluated: 2018-01-13. Review status: criteria provided, single submitter. Criteria: ICSL Variant Classification Criteria 13 December 2019. Collection method: clinical testing. Allele origin: germline.
Comment: This variant was observed in the ICSL laboratory as part of a predisposition screen in an ostensibly healthy population. It had not been previously curated by ICSL or reported in the Human Gene Mutation Database (HGMD: prior to June 1st, 2018), and was therefore a candidate for classification through an automated scoring system. Utilizing variant allele frequency, disease prevalence and penetrance estimates, and inheritance mode, an automated score was calculated to assess if this variant is too frequent to cause the disease. Based on the score and internal cut-off values, a variant classified as benign is not then subjected to further curation. The score for this variant resulted in a classification of benign for this disease.

Illumina Laboratory Services, Illumina
Classification: Benign for Myopathy, myofibrillar, 9, with early respiratory failure. Last evaluated: 2018-01-13. Review status: criteria provided, single submitter. Criteria: ICSL Variant Classification Criteria 13 December 2019. Collection method: clinical testing. Allele origin: germline.
Comment: the same text as in the submission from Illumina Laboratory Services, Illumina above.

Literature cited by the submitters: PubMed 27930701 (cited by Women's Health and Genetics/Laboratory Corporation of America, LabCorp and Athena Diagnostics); PubMed 28771489 (cited by Athena Diagnostics).

NM_001267550.2(TTN):c.51527G>C (p.Gly17176Ala)

Genes: TTN-AS1 (TTN antisense RNA 1; plus strand), TTN (titin; minus strand). Cytogenetic location: 2q31.2.
Variant type: single nucleotide variant.
Coding change: c.51527G>C on transcript NM_001267550.2 (MANE Select); coding-DNA position 51527, G replaced by C.
Protein change: p.Gly17176Ala; replaces glycine 17176 with alanine.
Molecular consequence: missense variant.
Genome position (GRCh38, 1-based): chr2:178,609,896, C>G on the plus strand (G>C on the coding strand, the complement: TTN is on the minus strand). VCF-style: chr2-178609896-C-G. GRCh37 (hg19) VCF-style: chr2-179474623-C-G.
Other names: c.51527G>C (NM_001267550.1); c.46604G>C, p.Gly15535Ala (NM_001256850.1); c.24332G>C, p.Gly8111Ala (NM_003319.4); c.43823G>C, p.Gly14608Ala (NM_133378.4); c.24707G>C, p.Gly8236Ala (NM_133432.3); c.24908G>C, p.Gly8303Ala (NM_133437.4); short protein forms G14608A, G17176A, G15535A, G8236A, G8111A, G8303A.
Identifiers: ClinVar variation 332846 (VCV000332846.28), dbSNP rs768961892, ClinGen allele CA1994174.